The following is an entry in ClinVar:

ClinVar aggregate classification (germline): Uncertain significance (1 of 4 stars; one submission).

gnomAD v4.1: 20 of 1,611,026 alleles (0.0012%); highest among the groups gnomAD compares: Non-Finnish European, 0.0016%; no homozygotes.

Submission:

Labcorp Genetics (formerly Invitae), Labcorp
Classification: Uncertain significance. Last evaluated: 2026-01-08. Review status: criteria provided, single submitter. Criteria: Invitae Variant Classification Sherloc (09022015). Collection method: clinical testing. Allele origin: germline.
Comment: This sequence change replaces arginine, which is basic and polar, with glycine, which is neutral and non-polar, at codon 430 of the FSCN2 protein (p.Arg430Gly). This variant is present in population databases (rs761410294, gnomAD 0.007%). This variant has not been reported in the literature in individuals affected with FSCN2-related conditions. ClinVar contains an entry for this variant (Variation ID: 1469612). An algorithm developed to predict the effect of missense changes on protein structure and function (PolyPhen-2) suggests that this variant is likely to be tolerated. In summary, the available evidence is currently insufficient to determine the role of this variant in disease. Therefore, it has been classified as a Variant of Uncertain Significance.

NM_012418.4(FSCN2):c.1216C>G (p.Arg406Gly)

Gene: FSCN2 (fascin actin-bundling protein 2, retinal; plus strand). Cytogenetic location: 17q25.3.
Variant type: single nucleotide variant.
Coding change: c.1216C>G on transcript NM_012418.4 (MANE Select); coding-DNA position 1216, C replaced by G.
Protein change: p.Arg406Gly; replaces arginine 406 with glycine.
Molecular consequence: missense variant.
Genome position (GRCh38, 1-based): chr17:81,536,732, C>G. VCF-style: chr17-81536732-C-G. GRCh37 (hg19) VCF-style: chr17-79503758-C-G.
Other names: c.1288C>G, p.Arg430Gly (NM_001077182.3); short protein forms R406G, R430G.
Identifiers: ClinVar variation 1469612 (VCV001469612.8), dbSNP rs761410294, ClinGen allele CA8837040.
Genomic context (GRCh38, chr17:81,536,732, plus strand): 5'-CTGCGCGGCCTGGACGGCTTCGTCTGCCACCACCGCGGCTCCAACCAGCTGGACACCAAC[C>G]GCTCCGTCTACGACGTCTTCCACCTGAGCTTCAGCGACGGCGCCTACCGGATCCGAGGTG-3'
Protein context (NP_036550.1, residues 396-416): HRGSNQLDTN[Arg406Gly]SVYDVFHLSF